The following is an entry in ClinVar:

NM_017654.4(SAMD9):c.3280A>G (p.Ile1094Val)

Gene: SAMD9 (sterile alpha motif domain containing 9; minus strand). Cytogenetic location: 7q21.2.
Variant type: single nucleotide variant.
Coding change: c.3280A>G on transcript NM_017654.4 (MANE Select); coding-DNA position 3280, A replaced by G.
Protein change: p.Ile1094Val; replaces isoleucine 1094 with valine.
Molecular consequence: missense variant.
Genome position (GRCh38, 1-based): chr7:93,102,818, T>C on the plus strand (A>G on the coding strand, the complement: SAMD9 is on the minus strand). VCF-style: chr7-93102818-T-C. GRCh37 (hg19) VCF-style: chr7-92732131-T-C.
Other names: c.3280A>G, p.Ile1094Val (NM_001193307.2); short protein forms I1094V.
Identifiers: ClinVar variation 4843118 (VCV004843118.1).
Genomic context (GRCh38, chr7:93,102,818, plus strand): 5'-GTTCTATGATTTTTGCTTGTTTTGCCCAGTTTAGAGCATTGCCAAAGTCCTTCTTTTTAA[T>C]GTAGAAATGTCTTGCCAACGCTTGGCAAATGAATGCATTTGGGTTGAACCGATGGATACT-3'
Protein context (NP_060124.2, residues 1084-1104): ICQALARHFY[Ile1094Val]KKKDFGNALN

ClinVar aggregate classification (germline): Uncertain significance (1 of 4 stars; one submission).

Conditions:
Inborn genetic diseases. Identifiers: MedGen C0950123, MeSH D030342.

Submission:

Ambry Genetics
Classification: Uncertain significance for Inborn genetic diseases. Last evaluated: 2025-12-21. Review status: criteria provided, single submitter. Criteria: Ambry Variant Classification Scheme 2023. Collection method: clinical testing. Allele origin: germline.
Comment: The p.I1094V variant (also known as c.3280A>G), located in coding exon 1 of the SAMD9 gene, results from an A to G substitution at nucleotide position 3280. The isoleucine at codon 1094 is replaced by valine, an amino acid with highly similar properties. This amino acid position is conserved. In addition, this alteration is predicted to be tolerated by in silico analysis. Based on the available evidence, the clinical significance of this variant remains unclear.